The following is an entry in ClinVar:

ClinVar aggregate classification (germline): Uncertain significance. Review status: criteria provided, multiple submitters, no conflicts (2 of 4 stars). 2 submissions from 2 submitters: Uncertain significance (2). Last evaluated 2021-06-19.

Conditions:
Intellectual developmental disorder, autosomal recessive 7. Also called: Intellectual disability, autosomal recessive 7. Identifiers: Orphanet 88616, MedGen C1970197, MONDO:0012615, OMIM 611093.

Allele frequency attached by ClinVar (database versions not stated): gnomAD 0.00017 and 0.00016; 1000 Genomes Project 0.00060; gnomAD exomes 0.00002; ExAC 0.00004; 1000 Genomes Project 30x 0.00078.

Submissions (2):

Labcorp Genetics (formerly Invitae), Labcorp
Classification: Uncertain significance for Intellectual developmental disorder, autosomal recessive 7. Last evaluated: 2021-06-19. Review status: criteria provided, single submitter. Criteria: Invitae Variant Classification Sherloc (09022015). Collection method: clinical testing. Allele origin: germline.
Comment: This variant is present in population databases (rs201741917, ExAC 0.05%). In summary, the available evidence is currently insufficient to determine the role of this variant in disease. Therefore, it has been classified as a Variant of Uncertain Significance. Experimental studies and prediction algorithms are not available or were not evaluated, and the functional significance of this variant is currently unknown. This variant has not been reported in the literature in individuals with TUSC3-related conditions. This sequence change replaces proline with serine at codon 7 of the TUSC3 protein (p.Pro7Ser). The proline residue is weakly conserved and there is a moderate physicochemical difference between proline and serine.

New York Genome Center
Classification: Uncertain significance for Intellectual developmental disorder, autosomal recessive 7. Last evaluated: 2020-04-14. Review status: criteria provided, single submitter. Criteria: NYGC Assertion Criteria 2020. Collection method: clinical testing. Allele origin: germline. Observed: 1 heterozygote. Study: CSER-NYCKidSeq.

NM_006765.4(TUSC3):c.19C>T (p.Pro7Ser)

Gene: TUSC3 (tumor suppressor candidate 3; plus strand). Cytogenetic location: 8p22.
Variant type: single nucleotide variant.
Coding change: c.19C>T on transcript NM_006765.4 (MANE Select); coding-DNA position 19, C replaced by T.
Protein change: p.Pro7Ser; replaces proline 7 with serine.
Molecular consequence: missense variant.
Genome position (GRCh38, 1-based): chr8:15,540,449, C>T. VCF-style: chr8-15540449-C-T. GRCh37 (hg19) VCF-style: chr8-15397958-C-T.
Other names: c.19C>T, p.Pro7Ser (NM_001356429.2, NM_178234.2); short protein forms P7S.
Identifiers: ClinVar variation 1325580 (VCV001325580.8), dbSNP rs201741917, ClinGen allele CA4640260.
Genomic context (GRCh38, chr8:15,540,449, plus strand): 5'-GCGCACGGCTACCGCGCGTGGAGGAGACACTGCCCTGCCGCGATGGGGGCCCGGGGCGCT[C>T]CTTCACGCCGTAGGCAAGCGGGGCGGCGGCTGCGGTACCTGCCCACCGGGAGCTTTCCCT-3'
Protein context (NP_006756.2, residues 1-17): MGARGA[Pro7Ser]SRRRQAGRRL